The following is an entry in ClinVar:

ClinVar aggregate classification (germline): Uncertain significance (1 of 4 stars; one submission).

Conditions:
Osteogenesis imperfecta type I (OI1). Also called: OI, TYPE I; OSTEOGENESIS IMPERFECTA TARDA; OSTEOGENESIS IMPERFECTA WITH BLUE SCLERAE; Osteogenesis imperfecta type 1; Lobstein's Disease; Lobstein disease. Identifiers: Orphanet 216796, Orphanet 666, MedGen C0023931, MONDO:0008146, OMIM 166200. Disease mechanism: loss of function.

Submission:

Labcorp Genetics (formerly Invitae), Labcorp
Classification: Uncertain significance for Osteogenesis imperfecta type I. Last evaluated: 2024-12-20. Review status: criteria provided, single submitter. Criteria: Invitae Variant Classification Sherloc (09022015). Collection method: clinical testing. Allele origin: germline.
Comment: This sequence change replaces proline, which is neutral and non-polar, with leucine, which is neutral and non-polar, at codon 570 of the COL1A1 protein (p.Pro570Leu). This variant is not present in population databases (gnomAD no frequency). This variant has not been reported in the literature in individuals affected with COL1A1-related conditions. Invitae Evidence Modeling of protein sequence and biophysical properties (such as structural, functional, and spatial information, amino acid conservation, physicochemical variation, residue mobility, and thermodynamic stability) indicates that this missense variant is expected to disrupt COL1A1 protein function with a positive predictive value of 95%. In summary, the available evidence is currently insufficient to determine the role of this variant in disease. Therefore, it has been classified as a Variant of Uncertain Significance.

NM_000088.4(COL1A1):c.1709C>T (p.Pro570Leu)

Gene: COL1A1 (collagen type I alpha 1 chain; minus strand). Cytogenetic location: 17q21.33.
Variant type: single nucleotide variant.
Coding change: c.1709C>T on transcript NM_000088.4 (MANE Select); coding-DNA position 1709, C replaced by T.
Protein change: p.Pro570Leu; replaces proline 570 with leucine.
Molecular consequence: missense variant.
Genome position (GRCh38, 1-based): chr17:50,194,001, G>A on the plus strand (C>T on the coding strand, the complement: COL1A1 is on the minus strand). VCF-style: chr17-50194001-G-A. GRCh37 (hg19) VCF-style: chr17-48271362-G-A.
Other names: short protein forms P570L.
Identifiers: ClinVar variation 3714586 (VCV003714586.2).
Genomic context (GRCh38, chr17:50,194,001, plus strand): 5'-ACAGCAGCACCTTTAGGTCCAGGGAATCCCATCACACCAGCCTGACCACGGGCACCAGGT[G>A]GGCCTGGGGGTCCGGGGCGACCATCTTGACCGGCGGGACCCTAAGGATGGGAGGCACGAA-3'
Protein context (NP_000079.2, residues 560-580): GQDGRPGPPG[Pro570Leu]PGARGQAGVM